The following is an entry in ClinVar:

NM_001376.5(DYNC1H1):c.11791C>A (p.Gln3931Lys)

Gene: DYNC1H1 (dynein cytoplasmic 1 heavy chain 1; plus strand). Cytogenetic location: 14q32.31.
Variant type: single nucleotide variant.
Coding change: c.11791C>A on transcript NM_001376.5 (MANE Select); coding-DNA position 11791, C replaced by A.
Protein change: p.Gln3931Lys; replaces glutamine 3931 with lysine.
Molecular consequence: missense variant.
Genome position (GRCh38, 1-based): chr14:102,040,336, C>A. VCF-style: chr14-102040336-C-A. GRCh37 (hg19) VCF-style: chr14-102506673-C-A.
Other names: short protein forms Q3931K.
Identifiers: ClinVar variation 2989095 (VCV002989095.4), dbSNP rs1361726688, ClinGen allele CA391036805.

ClinVar aggregate classification (germline): Uncertain significance. Review status: criteria provided, multiple submitters, no conflicts (2 of 4 stars). 2 submissions from 2 submitters: Uncertain significance (2). Last evaluated 2023-12-27.

Conditions:
Charcot-Marie-Tooth disease axonal type 2O. Also called: CHARCOT-MARIE-TOOTH NEUROPATHY, AXONAL, TYPE 2O; CHARCOT-MARIE-TOOTH DISEASE, AXONAL, AUTOSOMAL DOMINANT, TYPE 2O; Charcot-Marie-Tooth Neuropathy Type 2O; Charcot-Marie-Tooth disease, axonal, type 20. Identifiers: Orphanet 284232, MedGen C3280220, MONDO:0013644, OMIM 614228.

Allele frequency attached by ClinVar (database versions not stated): TOPMed below 0.00001; gnomAD 0.00001.
gnomAD v4.1: 1 of 1,614,034 alleles (0.000062%); highest among the groups gnomAD compares: Non-Finnish European, 0.000085%; no homozygotes.

Submissions (2):

GeneDx
Classification: Uncertain significance. Last evaluated: 2023-12-27. Review status: criteria provided, single submitter. Criteria: GeneDx Variant Classification Process June 2021. Collection method: clinical testing. Allele origin: germline. Affected: yes.
Comment: Not observed at significant frequency in large population cohorts (gnomAD); In silico analysis supports that this missense variant has a deleterious effect on protein structure/function; Has not been previously published as pathogenic or benign to our knowledge; This variant is associated with the following publications: (PMID: 25512093, 25609763, 26100331)

Labcorp Genetics (formerly Invitae), Labcorp
Classification: Uncertain significance for Charcot-Marie-Tooth disease axonal type 2O. Last evaluated: 2023-01-25. Review status: criteria provided, single submitter. Criteria: Invitae Variant Classification Sherloc (09022015). Collection method: clinical testing. Allele origin: germline.
Comment: Advanced modeling of protein sequence and biophysical properties (such as structural, functional, and spatial information, amino acid conservation, physicochemical variation, residue mobility, and thermodynamic stability) performed at Invitae indicates that this missense variant is not expected to disrupt DYNC1H1 protein function. This variant has not been reported in the literature in individuals affected with DYNC1H1-related conditions. This variant is not present in population databases (gnomAD no frequency). This sequence change replaces glutamine, which is neutral and polar, with lysine, which is basic and polar, at codon 3931 of the DYNC1H1 protein (p.Gln3931Lys). In summary, the available evidence is currently insufficient to determine the role of this variant in disease. Therefore, it has been classified as a Variant of Uncertain Significance.